The following is an entry in ClinVar:

NM_005548.3(KARS1):c.241A>C (p.Ser81Arg)

Gene: KARS1 (lysyl-tRNA synthetase 1; minus strand). Cytogenetic location: 16q23.1.
Variant type: single nucleotide variant.
Coding change: c.241A>C on transcript NM_005548.3 (MANE Select); coding-DNA position 241, A replaced by C.
Protein change: p.Ser81Arg; replaces serine 81 with arginine.
Molecular consequence: missense variant. On other transcripts: 5 prime UTR variant (1).
Genome position (GRCh38, 1-based): chr16:75,640,331, T>G on the plus strand (A>C on the coding strand, the complement: KARS1 is on the minus strand). VCF-style: chr16-75640331-T-G. GRCh37 (hg19) VCF-style: chr16-75674229-T-G.
Other names: c.325A>C, p.Ser109Arg (NM_001130089.2); c.-228A>C (NM_001378148.1); short protein forms S109R, S81R.
Identifiers: ClinVar variation 1928622 (VCV001928622.4), dbSNP rs201829456, ClinGen allele CA8177685.
Genomic context (GRCh38, chr16:75,640,331, plus strand): 5'-CATGGAACTTGTGTGGGTATGGGTCTTCCCCATTGACCTTCAGCTGATGAATTGCTTGAC[T>G]GCGGATTTTGTAGTATTGCTGTTAAAAAAAAAAAAAAAAAAGCCCTTCAGAAGTTGAACC-3'
Protein context (NP_005539.1, residues 71-91): VDPNQYYKIR[Ser81Arg]QAIHQLKVNG

ClinVar aggregate classification (germline): Uncertain significance. Review status: criteria provided, multiple submitters, no conflicts (2 of 4 stars). 2 submissions from 2 submitters: Uncertain significance (2). Last evaluated 2025-01-27.

Allele frequency attached by ClinVar (database versions not stated): 1000 Genomes Project 30x 0.00016.
gnomAD v4.1: 6 of 1,609,286 alleles (0.00037%); highest among the groups gnomAD compares: Admixed American, 0.01%; no homozygotes.

Submissions (2):

GeneDx
Classification: Uncertain significance. Last evaluated: 2025-01-27. Review status: criteria provided, single submitter. Criteria: GeneDx Variant Classification Process June 2021. Collection method: clinical testing. Allele origin: germline. Affected: yes.
Comment: In silico analysis supports that this missense variant has a deleterious effect on protein structure/function; Has not been previously published as pathogenic or benign to our knowledge

Labcorp Genetics (formerly Invitae), Labcorp
Classification: Uncertain significance. Last evaluated: 2022-07-23. Review status: criteria provided, single submitter. Criteria: Invitae Variant Classification Sherloc (09022015). Collection method: clinical testing. Allele origin: germline.
Comment: This sequence change replaces serine, which is neutral and polar, with arginine, which is basic and polar, at codon 109 of the KARS protein (p.Ser109Arg). This variant is present in population databases (rs201829456, gnomAD 0.02%). This variant has not been reported in the literature in individuals affected with KARS-related conditions. Algorithms developed to predict the effect of missense changes on protein structure and function are either unavailable or do not agree on the potential impact of this missense change (SIFT: "Deleterious"; PolyPhen-2: "Benign"; Align-GVGD: "Class C0"). In summary, the available evidence is currently insufficient to determine the role of this variant in disease. Therefore, it has been classified as a Variant of Uncertain Significance.